The following is an entry in ClinVar:

ClinVar aggregate classification (germline): Likely benign. Review status: criteria provided, multiple submitters, no conflicts (2 of 4 stars). 2 submissions from 2 submitters: Likely benign (2). Last evaluated 2025-05-18.

Conditions:
Microcephaly, normal intelligence and immunodeficiency (NBS). Also called: BERLIN BREAKAGE SYNDROME; Immunodeficiency, microcephaly with normal intelligence; Nijmegen breakage syndrome; Microcephaly with normal intelligence immunodeficiency and lymphoreticular malignancies; Nonsyndromal microcephaly autosomal recessive with normal intelligence; Seemanova syndrome 2. Identifiers: Orphanet 647, MedGen C0398791, MONDO:0009623, OMIM 251260.

Allele frequency attached by ClinVar (database versions not stated): gnomAD exomes below 0.00001; gnomAD 0.00001.
gnomAD v4.1: 3 of 1,608,068 alleles (0.00019%); highest among the groups gnomAD compares: Non-Finnish European, 0.00026%; no homozygotes.

Submissions (2):

Labcorp Genetics (formerly Invitae), Labcorp
Classification: Likely benign for Microcephaly, normal intelligence and immunodeficiency. Last evaluated: 2025-05-18. Review status: criteria provided, single submitter. Criteria: Invitae Variant Classification Sherloc (09022015). Collection method: clinical testing. Allele origin: germline.

GeneDx
Classification: Likely benign. Last evaluated: 2016-10-07. Review status: criteria provided, single submitter. Criteria: GeneDx Variant Classification (06012015). Collection method: clinical testing. Allele origin: germline. Affected: yes.
Comment: This variant is considered likely benign or benign based on one or more of the following criteria: it is a conservative change, it occurs at a poorly conserved position in the protein, it is predicted to be benign by multiple in silico algorithms, and/or has population frequency not consistent with disease.

NM_002485.5(NBN):c.703-17T>C

Gene: NBN (nibrin; minus strand). Cytogenetic location: 8q21.3.
Variant type: single nucleotide variant.
Coding change: c.703-17T>C on transcript NM_002485.5 (MANE Select); 17 bases into the intron before coding-DNA position 703, T replaced by C.
Molecular consequence: intron variant.
Genome position (GRCh38, 1-based): chr8:89,970,574, A>G on the plus strand (T>C on the coding strand, the complement: NBN is on the minus strand). VCF-style: chr8-89970574-A-G. GRCh37 (hg19) VCF-style: chr8-90982802-A-G.
Other names: c.457-17T>C (NM_001024688.3).
Identifiers: ClinVar variation 389978 (VCV000389978.10), dbSNP rs1057523604, ClinGen allele CA16605517.